The following is an entry in ClinVar:

NM_000553.6(WRN):c.2092C>T (p.Pro698Ser)

Gene: WRN (WRN RecQ like helicase; plus strand). Cytogenetic location: 8p12.
Variant type: single nucleotide variant.
Coding change: c.2092C>T on transcript NM_000553.6 (MANE Select); coding-DNA position 2092, C replaced by T.
Protein change: p.Pro698Ser; replaces proline 698 with serine.
Molecular consequence: missense variant.
Genome position (GRCh38, 1-based): chr8:31,111,618, C>T. VCF-style: chr8-31111618-C-T. GRCh37 (hg19) VCF-style: chr8-30969134-C-T.
Other names: short protein forms P698S.
Identifiers: ClinVar variation 955051 (VCV000955051.5), dbSNP rs752740258, ClinGen allele CA370912358.
Genomic context (GRCh38, chr8:31,111,618, plus strand): 5'-CATGTTGGGAATGAATGAGCTCTTTCCTTTTTAAAATATCAGTTTTACATCATTCAGGTT[C>T]CAATCGTTGCACTTACTGCTACTGCAAGTTCTTCAATCCGGGAAGACATTGTACGTTGCT-3'
Protein context (NP_000544.2, residues 688-708): GSLKTALPMV[Pro698Ser]IVALTATASS

ClinVar aggregate classification (germline): Uncertain significance (1 of 4 stars; one submission).

Conditions:
Werner syndrome (WRN). Identifiers: Orphanet 902, MedGen C0043119, MONDO:0010196, OMIM 277700.

Submission:

Labcorp Genetics (formerly Invitae), Labcorp
Classification: Uncertain significance for Werner syndrome. Last evaluated: 2021-08-28. Review status: criteria provided, single submitter. Criteria: Invitae Variant Classification Sherloc (09022015). Collection method: clinical testing. Allele origin: germline.
Comment: In summary, the available evidence is currently insufficient to determine the role of this variant in disease. Therefore, it has been classified as a Variant of Uncertain Significance. Algorithms developed to predict the effect of missense changes on protein structure and function are either unavailable or do not agree on the potential impact of this missense change (SIFT: "Deleterious"; PolyPhen-2: "Probably Damaging"; Align-GVGD: "Class C65"). This variant has not been reported in the literature in individuals with WRN-related conditions. This variant is not present in population databases (ExAC no frequency). This sequence change replaces proline with serine at codon 698 of the WRN protein (p.Pro698Ser). The proline residue is highly conserved and there is a moderate physicochemical difference between proline and serine.